The following is an entry in ClinVar:

ClinVar aggregate classification (germline): Uncertain significance (1 of 4 stars; one submission).

Submission:

Labcorp Genetics (formerly Invitae), Labcorp
Classification: Uncertain significance. Last evaluated: 2025-11-25. Review status: criteria provided, single submitter. Criteria: Invitae Variant Classification Sherloc (09022015). Collection method: clinical testing. Allele origin: germline.
Comment: This sequence change creates a premature translational stop signal (p.Pro799Alafs*72) in the SYNPO gene. While this is not anticipated to result in nonsense mediated decay, it is expected to disrupt the last 105 amino acid(s) of the SYNPO protein. The frequency data for this variant in the population databases is considered unreliable, as metrics indicate insufficient coverage at this position in the gnomAD database. This variant has not been reported in the literature in individuals affected with SYNPO-related conditions. Experimental studies and prediction algorithms are not available or were not evaluated, and the functional significance of this variant is currently unknown. In summary, the available evidence is currently insufficient to determine the role of this variant in disease. Therefore, it has been classified as a Variant of Uncertain Significance.

NM_007286.6(SYNPO):c.2393dup (p.Pro799fs)

Genes: SYNPO (synaptopodin; plus strand), LOC129995011 (ATAC-STARR-seq lymphoblastoid silent region 16516; plus strand). Cytogenetic location: 5q33.1.
Variant type: Duplication.
Coding change: c.2393dup on transcript NM_007286.6 (MANE Select); coding-DNA position 2393, one base duplicated (C; older notation c.2393dupC).
Protein change: p.Pro799fs; shifts the reading frame from proline 799.
Molecular consequence: frameshift variant.
Genome position (GRCh38, 1-based): chr5:150,656,768, C duplicated; the last of 5 consecutive C bases (chr5:150,656,764-150,656,768); duplicating any one gives the same sequence. VCF-style (leftmost placement, unchanged base first): chr5-150656763-G-GC. GRCh37 (hg19) VCF-style: chr5-150036325-G-GC.
Other names: short protein forms P799fs.
Identifiers: ClinVar variation 4705259 (VCV004705259.1).